The following is an entry in ClinVar:

ClinVar aggregate classification (germline): Uncertain significance. Review status: criteria provided, multiple submitters, no conflicts (2 of 4 stars). 2 submissions from 2 submitters: Uncertain significance (2). Last evaluated 2025-12-15.

Conditions:
Inborn genetic diseases. Identifiers: MedGen C0950123, MeSH D030342.

gnomAD v4.1: 135 of 1,584,786 alleles (0.0085%); highest among the groups gnomAD compares: Non-Finnish European, 0.011%; no homozygotes.

Submissions (2):

Ambry Genetics
Classification: Uncertain significance for Inborn genetic diseases. Last evaluated: 2025-12-15. Review status: criteria provided, single submitter. Criteria: Ambry Variant Classification Scheme 2023. Collection method: clinical testing. Allele origin: germline.

Labcorp Genetics (formerly Invitae), Labcorp
Classification: Uncertain significance. Last evaluated: 2024-07-22. Review status: criteria provided, single submitter. Criteria: Invitae Variant Classification Sherloc (09022015). Collection method: clinical testing. Allele origin: germline.
Comment: This sequence change replaces glutamic acid, which is acidic and polar, with aspartic acid, which is acidic and polar, at codon 57 of the NKX3-2 protein (p.Glu57Asp). This variant is present in population databases (rs749292510, gnomAD 0.007%). This variant has not been reported in the literature in individuals affected with NKX3-2-related conditions. An algorithm developed to predict the effect of missense changes on protein structure and function outputs the following: PolyPhen-2: "Benign". The aspartic acid amino acid residue is found in multiple mammalian species, which suggests that this missense change does not adversely affect protein function. In summary, the available evidence is currently insufficient to determine the role of this variant in disease. Therefore, it has been classified as a Variant of Uncertain Significance.

NM_001189.4(NKX3-2):c.171G>C (p.Glu57Asp)

Gene: NKX3-2 (NK3 homeobox 2; minus strand). Cytogenetic location: 4p15.33.
Variant type: single nucleotide variant.
Coding change: c.171G>C on transcript NM_001189.4 (MANE Select); coding-DNA position 171, G replaced by C.
Protein change: p.Glu57Asp; replaces glutamic acid 57 with aspartic acid.
Molecular consequence: missense variant.
Genome position (GRCh38, 1-based): chr4:13,544,244, C>G on the plus strand (G>C on the coding strand, the complement: NKX3-2 is on the minus strand). VCF-style: chr4-13544244-C-G. GRCh37 (hg19) VCF-style: chr4-13545868-C-G.
Other names: c.171G>C (NM_001189.3); short protein forms E57D.
Identifiers: ClinVar variation 3605129 (VCV003605129.3).
Genomic context (GRCh38, chr4:13,544,244, plus strand): 5'-GGTACCGGCAGGAGACGCCAGCAGAGAGTCCTCGGCGCCCCCCAACGCGCCCGCGTCCCT[C>G]TCCCCAAAGAGCCGCCAACAGCAGACAGCGGGAGCCGCGGCCACCGATGCCGCTGTGCCC-3'
Protein context (NP_001180.1, residues 47-67): PAVCCWRLFG[Glu57Asp]RDAGALGGAE